The following is an entry in ClinVar:

ClinVar aggregate classification (germline): Uncertain significance (1 of 4 stars; one submission).

Conditions:
Developmental and epileptic encephalopathy 104 (DEE104). Identifiers: MedGen C5774183, MONDO:0031021, OMIM 619970.

Submission:

Institute of Human Genetics, University of Leipzig Medical Center
Classification: Uncertain significance for Developmental and epileptic encephalopathy 104. Last evaluated: 2026-07-15. Review status: criteria provided, single submitter. Criteria: ACMG Guidelines, 2015. Collection method: clinical testing. Allele origin: unknown. Inheritance: Autosomal dominant inheritance. Affected: yes.
Comment: Criteria applied: PM2,PM5_SUP,PP2,PP3

NM_001130021.3(ATP6V0A1):c.2455G>T (p.Gly819Cys)

Gene: ATP6V0A1 (ATPase H+ transporting V0 subunit a1; plus strand). Cytogenetic location: 17q21.2.
Variant type: single nucleotide variant.
Coding change: c.2455G>T on transcript NM_001130021.3 (MANE Select); coding-DNA position 2455, G replaced by T.
Protein change: p.Gly819Cys; replaces glycine 819 with cysteine.
Molecular consequence: missense variant. On other transcripts: synonymous variant (7).
Genome position (GRCh38, 1-based): chr17:42,521,061, G>T. VCF-style: chr17-42521061-G-T. GRCh37 (hg19) VCF-style: chr17-40673079-G-T.
Other names: c.2458G>T, p.Gly820Cys (NM_001130020.3); c.2476G>T, p.Gly826Cys (NM_001378522.1); c.2350G>T, p.Gly784Cys (NM_001378523.1); c.2653G>T, p.Gly885Cys (NM_001378530.1); c.2599G>T, p.Gly867Cys (NM_001378531.1); c.2581G>T, p.Gly861Cys (NM_001378532.1); c.2578G>T, p.Gly860Cys (NM_001378533.1); c.2551G>T, p.Gly851Cys (NM_001378534.1); and 20 more; short protein forms G737C, G742C, G743C, G748C, G749C, G759C, G760C, G770C.
Identifiers: ClinVar variation 4890713 (VCV004890713.1).